The following is an entry in ClinVar:

ClinVar aggregate classification (germline): Uncertain significance (1 of 4 stars; one submission).

Allele frequency attached by ClinVar (database versions not stated): gnomAD below 0.00001 and 0.00008; TOPMed below 0.00001; gnomAD exomes 0.00008 and 0.00025; ExAC 0.00047; 1000 Genomes Project 30x 0.00062.
gnomAD v4.1: 124 of 1,500,082 alleles (0.0083%); highest among the groups gnomAD compares: South Asian, 0.16%; no homozygotes.

Submission:

Labcorp Genetics (formerly Invitae), Labcorp
Classification: Uncertain significance. Last evaluated: 2021-11-14. Review status: criteria provided, single submitter. Criteria: Invitae Variant Classification Sherloc (09022015). Collection method: clinical testing. Allele origin: germline.
Comment: This sequence change replaces leucine, which is neutral and non-polar, with valine, which is neutral and non-polar, at codon 211 of the KPNA7 protein (p.Leu211Val). This variant is present in population databases (rs754311223, gnomAD 0.2%). This variant has not been reported in the literature in individuals affected with KPNA7-related conditions. ClinVar contains an entry for this variant (Variation ID: 238563). Algorithms developed to predict the effect of missense changes on protein structure and function output the following: SIFT: "Tolerated"; PolyPhen-2: "Benign"; Align-GVGD: "Class C0". The valine amino acid residue is found in multiple mammalian species, which suggests that this missense change does not adversely affect protein function. In summary, the available evidence is currently insufficient to determine the role of this variant in disease. Therefore, it has been classified as a Variant of Uncertain Significance.

NM_001145715.3(KPNA7):c.631C>G (p.Leu211Val)

Gene: KPNA7 (karyopherin subunit alpha 7; minus strand). Cytogenetic location: 7q22.1.
Variant type: single nucleotide variant.
Coding change: c.631C>G on transcript NM_001145715.3 (MANE Select); coding-DNA position 631, C replaced by G.
Protein change: p.Leu211Val; replaces leucine 211 with valine.
Molecular consequence: missense variant.
Genome position (GRCh38, 1-based): chr7:99,193,024, G>C on the plus strand (C>G on the coding strand, the complement: KPNA7 is on the minus strand). VCF-style: chr7-99193024-G-C. GRCh37 (hg19) VCF-style: chr7-98790647-G-C.
Other names: short protein forms L211V.
Identifiers: ClinVar variation 238563 (VCV000238563.6), dbSNP rs754311223, ClinGen allele CA4363226.
Genomic context (GRCh38, chr7:99,193,024, plus strand): 5'-ATTATTTTAAAATTTTAATTTAAAAAAAAAAAAAGAGAAAGAAAAAGACACTTACCGGCA[G>C]GGTGGGTGAAATCAAGGCTAGGAGATGTGGGATGGCATTGCTTGTGATGACGTTATCTCT-3'
Protein context (NP_001139187.1, residues 201-221): PHLLALISPT[Leu211Val]PITFLRNITW